The following is an entry in ClinVar:

ClinVar aggregate classification (germline): Uncertain significance (1 of 4 stars; one submission).

gnomAD v4.1: 13 of 1,610,676 alleles (0.00081%); highest among the groups gnomAD compares: African/African-American, 0.0068%; no homozygotes.

Submission:

Labcorp Genetics (formerly Invitae), Labcorp
Classification: Uncertain significance. Last evaluated: 2024-03-18. Review status: criteria provided, single submitter. Criteria: Invitae Variant Classification Sherloc (09022015). Collection method: clinical testing. Allele origin: germline.
Comment: This sequence change replaces serine, which is neutral and polar, with leucine, which is neutral and non-polar, at codon 271 of the RAI1 protein (p.Ser271Leu). This variant is present in population databases (no rsID available, gnomAD 0.01%). This variant has not been reported in the literature in individuals affected with RAI1-related conditions. Advanced modeling of protein sequence and biophysical properties (such as structural, functional, and spatial information, amino acid conservation, physicochemical variation, residue mobility, and thermodynamic stability) performed at Invitae indicates that this missense variant is not expected to disrupt RAI1 protein function with a negative predictive value of 80%. In summary, the available evidence is currently insufficient to determine the role of this variant in disease. Therefore, it has been classified as a Variant of Uncertain Significance.

NM_030665.4(RAI1):c.812C>T (p.Ser271Leu)

Gene: RAI1 (retinoic acid induced 1; plus strand). Cytogenetic location: 17p11.2.
Variant type: single nucleotide variant.
Coding change: c.812C>T on transcript NM_030665.4 (MANE Select); coding-DNA position 812, C replaced by T.
Protein change: p.Ser271Leu; replaces serine 271 with leucine.
Molecular consequence: missense variant.
Genome position (GRCh38, 1-based): chr17:17,793,760, C>T. VCF-style: chr17-17793760-C-T. GRCh37 (hg19) VCF-style: chr17-17697074-C-T.
Other names: short protein forms S271L.
Identifiers: ClinVar variation 3730766 (VCV003730766.2).
Genomic context (GRCh38, chr17:17,793,760, plus strand): 5'-TGACTGCCAGCTCCAGCCTGGCCCCGGGGCAGCGGGTCCAGAATCTTCATGCCTACCAGT[C>T]GGGCCGCCTCAGCTATGACCAGCAGCAGCAGCAGCAGCAGCAGCAGCAGCAGCAGCAGCA-3'
Protein context (NP_109590.3, residues 261-281): QRVQNLHAYQ[Ser271Leu]GRLSYDQQQQ